The following is an entry in ClinVar:

NM_001083962.2(TCF4):c.1245T>C (p.His415=)

Gene: TCF4 (transcription factor 4; minus strand). Cytogenetic location: 18q21.2.
Variant type: single nucleotide variant.
Coding change: c.1245T>C on transcript NM_001083962.2 (MANE Select); coding-DNA position 1245, T replaced by C.
Protein change: p.His415=; no amino-acid change (histidine 415 retained).
Molecular consequence: synonymous variant.
Genome position (GRCh38, 1-based): chr18:55,254,602, A>G on the plus strand (T>C on the coding strand, the complement: TCF4 is on the minus strand). VCF-style: chr18-55254602-A-G. GRCh37 (hg19) VCF-style: chr18-52921833-A-G.
Other names: NM_001083962.2(TCF4):c.1245T>C; p.His415=; c.765T>C, p.His255= (NM_001243235.2, NM_001243236.2, NM_001348216.2 and 1 more transcripts); c.1173T>C, p.His391= (NM_001306207.1, NM_001348217.1, NM_001348218.2 and 5 more transcripts); c.1032T>C, p.His344= (NM_001306208.1, NM_001243232.1); c.1242T>C, p.His414= (NM_001330604.3, NM_001369569.1, NM_001369570.1 and 2 more transcripts); c.855T>C, p.His285= (NM_001330605.3, NM_001348212.2, NM_001348213.2 and 1 more transcripts); c.1119T>C, p.His373= (NM_001348211.2, NM_001243231.2); and 8 more.
Identifiers: ClinVar variation 194479 (VCV000194479.13), dbSNP rs148909575, ClinGen allele CA240473.
Genomic context (GRCh38, chr18:55,254,602, plus strand): 5'-TGAGCCCAGACCACCCATGGCTCCATTATGAGAAGGTCCAATGATTCCATGCATGTCCCC[A>G]TGACCACCAGGCATAGCTGTGGATGGGCCCACTGCATGGTTCCGGAGAACATGAATAGCA-3'
Protein context (NP_001077431.1, residues 405-425): VGPSTAMPGG[His415=]GDMHGIIGPS

ClinVar aggregate classification (germline): Likely benign. Review status: reviewed by expert panel (3 of 4 stars). 6 submissions from 6 submitters: Likely benign (1). 5 of the submissions do not count toward it. Last evaluated 2024-06-25.

Conditions:
TCF4-related disorder. Also called: TCF4-related condition.
Inborn genetic diseases. Identifiers: MedGen C0950123, MeSH D030342.
Pitt-Hopkins syndrome (PTHS). Also called: MENTAL RETARDATION, SYNDROMAL, WITH INTERMITTENT HYPERVENTILATION; ENCEPHALOPATHY, SEVERE EPILEPTIC, WITH AUTONOMIC DYSFUNCTION. Identifiers: Orphanet 2896, MedGen C1970431, MONDO:0012589, OMIM 610954.

Allele frequency attached by ClinVar (database versions not stated): gnomAD exomes 0.00002 and 0.00004; ExAC 0.00006; gnomAD 0.00006 and 0.00007; ESP Exome Variant Server 0.00008; TOPMed 0.00008; 1000 Genomes Project 30x 0.00016; 1000 Genomes Project 0.00020.
gnomAD v4.1: 47 of 1,613,742 alleles (0.0029%); highest among the groups gnomAD compares: South Asian, 0.029%; 1 homozygote.

Submissions (6):

ClinGen Rett and Angelman-like Disorders Variant Curation Expert Panel
Classification: Likely benign for Pitt-Hopkins syndrome. Last evaluated: 2024-06-25. Review status: reviewed by expert panel. Criteria: ClinGen RettAS ACMG Specifications TCF4 V3.0.0. Collection method: curation. Allele origin: germline. Inheritance: Autosomal dominant inheritance.
Comment: The highest population minor allele frequency of the c.1245T>C (p.His415His) variant in TCF4 in gnomAD v2.1 is 0.00028 in the African population, which is higher than the ClinGen Rett and Angelman-like Disorders VCEP threshold (≥0.00008) for BS1, and therefore meets this criterion (BS1). The c.1245T>C (p.His415His) variant is found in a patient with an alternate molecular basis of disease (Internal database - Invitae) (BP5). The silent c.1245T>C (p.His415His) variant is not predicted to affect splicing using multiple computational tools and does not affect a highly conserved nucleotide (BP4, BP7). In summary the c.1245T>C (p.His415His) variant in TCF4 is classified as likely benign based on the ACMG/AMP criteria (BS1, BP5, BP4, BP7). (TCF4 Specifications v.3; approval date 6/25/2024)

Labcorp Genetics (formerly Invitae), Labcorp
Classification: Likely benign for Pitt-Hopkins syndrome. Last evaluated: 2025-11-06. Review status: criteria provided, single submitter. Criteria: Invitae Variant Classification Sherloc (09022015). Collection method: clinical testing. Allele origin: germline. Not counted in ClinVar's aggregate classification.

Ambry Genetics
Classification: Likely benign for Inborn genetic diseases. Last evaluated: 2017-09-06. Review status: criteria provided, single submitter. Criteria: Ambry Variant Classification Scheme 2023. Collection method: clinical testing. Allele origin: germline. Not counted in ClinVar's aggregate classification.

GeneDx
Classification: Likely benign. Last evaluated: 2015-10-19. Review status: criteria provided, single submitter. Criteria: GeneDx Variant Classification (06012015). Collection method: clinical testing. Allele origin: germline. Affected: yes. Not counted in ClinVar's aggregate classification.
Comment: This variant is considered likely benign or benign based on one or more of the following criteria: it is a conservative change, it occurs at a poorly conserved position in the protein, it is predicted to be benign by multiple in silico algorithms, and/or has population frequency not consistent with disease.

Eurofins Ntd Llc (ga)
Classification: Uncertain significance. Last evaluated: 2015-05-28. Review status: criteria provided, single submitter. Criteria: EGL Classification Definitions 2015. Collection method: clinical testing. Allele origin: germline. Observed: 1 variant allele, 1 heterozygote. Not counted in ClinVar's aggregate classification.

PreventionGenetics, part of Exact Sciences
Classification: Likely benign for TCF4-related condition. Last evaluated: 2022-06-20. Review status: no assertion criteria provided. Collection method: clinical testing. Allele origin: germline. Not counted in ClinVar's aggregate classification.
Comment: This variant is classified as likely benign based on ACMG/AMP sequence variant interpretation guidelines (Richards et al. 2015 PMID: 25741868, with internal and published modifications).